The following is an entry in ClinVar:

ClinVar aggregate classification (germline): Uncertain significance (1 of 4 stars; one submission).

Submission:

GeneDx
Classification: Uncertain significance. Last evaluated: 2020-12-18. Review status: criteria provided, single submitter. Criteria: GeneDx Variant Classification Process June 2021. Collection method: clinical testing. Allele origin: germline. Affected: yes.
Comment: Not observed in large population cohorts (Lek et al., 2016); In silico analysis supports that this missense variant does not alter protein structure/function; Has not been previously published as pathogenic or benign to our knowledge

NM_001330078.2(NRXN1):c.358C>A (p.Arg120Ser)

Gene: NRXN1 (neurexin 1; minus strand). Cytogenetic location: 2p16.3.
Variant type: single nucleotide variant.
Coding change: c.358C>A on transcript NM_001330078.2 (MANE Select); coding-DNA position 358, C replaced by A.
Protein change: p.Arg120Ser; replaces arginine 120 with serine.
Molecular consequence: missense variant.
Genome position (GRCh38, 1-based): chr2:51,027,916, G>T on the plus strand (C>A on the coding strand, the complement: NRXN1 is on the minus strand). VCF-style: chr2-51027916-G-T. GRCh37 (hg19) VCF-style: chr2-51255054-G-T.
Other names: c.358C>A, p.Arg120Ser (NM_001135659.3, NM_001330077.2, NM_001330079.2 and 15 more transcripts); short protein forms R120S.
Identifiers: ClinVar variation 1320436 (VCV001320436.2), dbSNP rs775103836, ClinGen allele CA346824172.